The following is an entry in ClinVar:

NM_003072.5(SMARCA4):c.4363C>T (p.Pro1455Ser)

Gene: SMARCA4 (SWI/SNF related BAF chromatin remodeling complex subunit ATPase 4; plus strand). Cytogenetic location: 19p13.2.
Variant type: single nucleotide variant.
Coding change: c.4363C>T on transcript NM_003072.5 (MANE Select); coding-DNA position 4363, C replaced by T.
Protein change: p.Pro1455Ser; replaces proline 1455 with serine.
Molecular consequence: missense variant. On other transcripts: non-coding transcript variant (1).
Genome position (GRCh38, 1-based): chr19:11,041,499, C>T. VCF-style: chr19-11041499-C-T. GRCh37 (hg19) VCF-style: chr19-11152175-C-T.
Other names: c.4459C>T, p.Pro1487Ser (NM_001387283.1, NM_001128849.3); c.4360C>T, p.Pro1454Ser (NM_001411150.1); c.4363C>T, p.Pro1455Ser (NM_001128844.3); c.4273C>T, p.Pro1425Ser (NM_001128845.2, NM_001128846.2); c.4264C>T, p.Pro1422Ser (NM_001128847.4, NM_001128848.2, NM_001374457.1); short protein forms P1454S, P1487S, P1422S, P1425S, P1455S.
Identifiers: ClinVar variation 3320737 (VCV003320737.1).

ClinVar aggregate classification (germline): Uncertain significance (1 of 4 stars; one submission).

Conditions:
Hereditary cancer-predisposing syndrome. Also called: Neoplastic Syndromes, Hereditary; Tumor predisposition; Hereditary neoplastic syndrome; Hereditary Cancer Syndrome. Identifiers: Orphanet 140162, MedGen C0027672, MeSH D009386, MONDO:0015356.

Submission:

Ambry Genetics
Classification: Uncertain significance for Hereditary cancer-predisposing syndrome. Last evaluated: 2024-05-20. Review status: criteria provided, single submitter. Criteria: Ambry Variant Classification Scheme 2023. Collection method: clinical testing. Allele origin: germline.
Comment: The p.P1487S variant (also known as c.4459C>T), located in coding exon 30 of the SMARCA4 gene, results from a C to T substitution at nucleotide position 4459. The proline at codon 1487 is replaced by serine, an amino acid with similar properties. This amino acid position is highly conserved in available vertebrate species. In addition, this alteration is predicted to be tolerated by in silico analysis. Based on the available evidence, the clinical significance of this variant remains unclear.